The following is an entry in ClinVar:

NM_003072.5(SMARCA4):c.925G>C (p.Gly309Arg)

Gene: SMARCA4 (SWI/SNF related BAF chromatin remodeling complex subunit ATPase 4; plus strand). Cytogenetic location: 19p13.2.
Variant type: single nucleotide variant.
Coding change: c.925G>C on transcript NM_003072.5 (MANE Select); coding-DNA position 925, G replaced by C.
Protein change: p.Gly309Arg; replaces glycine 309 with arginine.
Molecular consequence: missense variant. On other transcripts: non-coding transcript variant (1).
Genome position (GRCh38, 1-based): chr19:10,987,731, G>C. VCF-style: chr19-10987731-G-C. GRCh37 (hg19) VCF-style: chr19-11098407-G-C.
Other names: c.925G>C, p.Gly309Arg (NM_001128844.3, NM_001128845.2, NM_001128846.2 and 4 more transcripts); short protein forms G309R.
Identifiers: ClinVar variation 851849 (VCV000851849.12), dbSNP rs773701962, ClinGen allele CA9203630.

ClinVar aggregate classification (germline): Uncertain significance. Review status: criteria provided, multiple submitters, no conflicts (2 of 4 stars). 2 submissions from 2 submitters: Uncertain significance (2). Last evaluated 2024-06-11.

Conditions:
Rhabdoid tumor predisposition syndrome 2 (RTPS2). Identifiers: Orphanet 231108, Orphanet 69077, MedGen C2750074, MONDO:0013224, OMIM 613325.
Hereditary cancer-predisposing syndrome. Also called: Neoplastic Syndromes, Hereditary; Hereditary Cancer Syndrome; Tumor predisposition; Hereditary neoplastic syndrome. Identifiers: Orphanet 140162, MedGen C0027672, MeSH D009386, MONDO:0015356.

Allele frequency attached by ClinVar (database versions not stated): gnomAD exomes 0.00001; ExAC 0.00002.
gnomAD v4.1: 5 of 1,608,138 alleles (0.00031%); highest among the groups gnomAD compares: South Asian, 0.0022%; no homozygotes.

Submissions (2):

Labcorp Genetics (formerly Invitae), Labcorp
Classification: Uncertain significance for Rhabdoid tumor predisposition syndrome 2. Last evaluated: 2024-06-11. Review status: criteria provided, single submitter. Criteria: Invitae Variant Classification Sherloc (09022015). Collection method: clinical testing. Allele origin: germline.
Comment: This sequence change replaces glycine, which is neutral and non-polar, with arginine, which is basic and polar, at codon 309 of the SMARCA4 protein (p.Gly309Arg). This variant is present in population databases (rs773701962, gnomAD 0.007%). This variant has not been reported in the literature in individuals affected with SMARCA4-related conditions. ClinVar contains an entry for this variant (Variation ID: 851849). Advanced modeling of protein sequence and biophysical properties (such as structural, functional, and spatial information, amino acid conservation, physicochemical variation, residue mobility, and thermodynamic stability) has been performed at Invitae for this missense variant, however the output from this modeling did not meet the statistical confidence thresholds required to predict the impact of this variant on SMARCA4 protein function. In summary, the available evidence is currently insufficient to determine the role of this variant in disease. Therefore, it has been classified as a Variant of Uncertain Significance.

Ambry Genetics
Classification: Uncertain significance for Hereditary cancer-predisposing syndrome. Last evaluated: 2023-10-20. Review status: criteria provided, single submitter. Criteria: Ambry Variant Classification Scheme 2023. Collection method: clinical testing. Allele origin: germline.
Comment: The p.G309R variant (also known as c.925G>C), located in coding exon 5 of the SMARCA4 gene, results from a G to C substitution at nucleotide position 925. The glycine at codon 309 is replaced by arginine, an amino acid with dissimilar properties. This amino acid position is highly conserved in available vertebrate species. In addition, this alteration is predicted to be deleterious by in silico analysis. Missense and in-frame variants in SMARCA4 are known to cause neurodevelopmental disorders; however, such associations with rhabdoid tumor predisposition syndrome including small cell carcinoma of the ovary-hypercalcemic type (SCCOHT) are exceedingly rare (Kosho T et al. Am J Med Genet C Semin Med Genet. 2014 Sep;166C(3):262-75; Jelinic P et al. Nat Genet. 2014 May;46(5):424-6). Since supporting evidence is limited at this time, the clinical significance of this alteration remains unclear.